The following is an entry in ClinVar:

ClinVar aggregate classification (germline): Benign (1 of 4 stars; one submission).

Allele frequency attached by ClinVar (database versions not stated): gnomAD 0.00454 and 0.00460.
gnomAD v4.1: 425 of 94,784 alleles (0.45%); highest among the groups gnomAD compares: Admixed American, 0.67%; 14 homozygotes.

Submission:

CeGaT Center for Human Genetics Tuebingen
Classification: Benign. Last evaluated: 2022-06-01. Review status: criteria provided, single submitter. Criteria: CeGaT Center For Human Genetics Tuebingen Variant Classification Criteria Version 2. Collection method: clinical testing. Allele origin: germline. Affected: yes. Observed: 2 variant alleles.
Comment: COQ8A: BS1, BS2

NM_020247.5(COQ8A):c.656-1322T>C

Gene: COQ8A (coenzyme Q8A; plus strand). Cytogenetic location: 1q42.13.
Variant type: single nucleotide variant.
Coding change: c.656-1322T>C on transcript NM_020247.5 (MANE Select); 1322 bases into the intron before coding-DNA position 656, T replaced by C.
Molecular consequence: intron variant.
Genome position (GRCh38, 1-based): chr1:226,976,127, T>C. VCF-style: chr1-226976127-T-C. GRCh37 (hg19) VCF-style: chr1-227163828-T-C.
Identifiers: ClinVar variation 1694547 (VCV001694547.31), dbSNP rs2989947, ClinGen allele CA38638447.